The following is an entry in ClinVar:

ClinVar aggregate classification (germline): Uncertain significance (1 of 4 stars; one submission).

Conditions:
Multiple congenital exostosis (EXT). Also called: Multiple exostoses; Hereditary multiple osteochondromas; Hereditary multiple exostoses; Hereditary multiple exostosis; MULTIPLE CARTILAGINOUS EXOSTOSES; Multiple osteochondromas. Identifiers: Orphanet 321, MedGen C0015306, MONDO:0005508, HP:0002762.

gnomAD v4.1: 1 of 1,613,426 alleles (0.000062%); highest among the groups gnomAD compares: African/African-American, 0.0013%; no homozygotes.

Submission:

Labcorp Genetics (formerly Invitae), Labcorp
Classification: Uncertain significance for Multiple congenital exostosis. Last evaluated: 2025-08-27. Review status: criteria provided, single submitter. Criteria: Invitae Variant Classification Sherloc (09022015). Collection method: clinical testing. Allele origin: germline.
Comment: This sequence change replaces leucine, which is neutral and non-polar, with proline, which is neutral and non-polar, at codon 462 of the EXT1 protein (p.Leu462Pro). This variant is not present in population databases (gnomAD no frequency). This variant has not been reported in the literature in individuals affected with EXT1-related conditions. Invitae Evidence Modeling of protein sequence and biophysical properties (such as structural, functional, and spatial information, amino acid conservation, physicochemical variation, residue mobility, and thermodynamic stability) indicates that this missense variant is not expected to disrupt EXT1 protein function with a negative predictive value of 80%. In summary, the available evidence is currently insufficient to determine the role of this variant in disease. Therefore, it has been classified as a Variant of Uncertain Significance.

NM_000127.3(EXT1):c.1385T>C (p.Leu462Pro)

Gene: EXT1 (exostosin glycosyltransferase 1; minus strand). Cytogenetic location: 8q24.11.
Variant type: single nucleotide variant.
Coding change: c.1385T>C on transcript NM_000127.3 (MANE Select); coding-DNA position 1385, T replaced by C.
Protein change: p.Leu462Pro; replaces leucine 462 with proline.
Molecular consequence: missense variant.
Genome position (GRCh38, 1-based): chr8:117,822,497, A>G on the plus strand (T>C on the coding strand, the complement: EXT1 is on the minus strand). VCF-style: chr8-117822497-A-G. GRCh37 (hg19) VCF-style: chr8-118834736-A-G.
Other names: short protein forms L462P.
Identifiers: ClinVar variation 4699459 (VCV004699459.1).